The following is an entry in ClinVar:

ClinVar aggregate classification (germline): Benign/Likely benign. Review status: criteria provided, multiple submitters, no conflicts (2 of 4 stars). 6 submissions from 6 submitters: Benign (1); Likely benign (5). Last evaluated 2025-11-25.

Conditions:
Autosomal dominant hypocalcemia 1 (HYPOC1). Also called: HYPOCALCEMIA, FAMILIAL. Identifiers: MedGen C3715128, MONDO:0011013, OMIM 601198.
Familial hypocalciuric hypercalcemia (FHH). Also called: Familial benign hypercalcemia. Identifiers: Orphanet 405, MedGen C1809471, MONDO:0018458.
Nephrolithiasis/nephrocalcinosis. Identifiers: MedGen CN580796.

Allele frequency attached by ClinVar (database versions not stated): gnomAD exomes 0.00003 and 0.00006; ExAC 0.00009; gnomAD 0.00031 and 0.00035; TOPMed 0.00039; 1000 Genomes Project 30x 0.00047; 1000 Genomes Project 0.00060; ESP Exome Variant Server 0.00062.
gnomAD v4.1: 96 of 1,613,948 alleles (0.0059%); highest among the groups gnomAD compares: African/African-American, 0.12%; 1 homozygote.

Submissions (6):

Labcorp Genetics (formerly Invitae), Labcorp
Classification: Likely benign for Familial hypocalciuric hypercalcemia; Autosomal dominant hypocalcemia 1. Last evaluated: 2025-11-25. Review status: criteria provided, single submitter. Criteria: Invitae Variant Classification Sherloc (09022015). Collection method: clinical testing. Allele origin: germline.

Mayo Clinic Laboratories, Mayo Clinic
Classification: Likely benign. Last evaluated: 2025-11-04. Review status: criteria provided, single submitter. Criteria: ACMG Guidelines, 2015. Collection method: clinical testing. Allele origin: germline. Observed: 3 variant alleles.
Comment: BP4, BP7

Women's Health and Genetics/Laboratory Corporation of America, LabCorp
Classification: Benign. Last evaluated: 2024-12-06. Review status: criteria provided, single submitter. Criteria: LabCorp Variant Classification Summary - May 2015. Collection method: clinical testing. Allele origin: germline.

Blueprint Genetics
Classification: Likely benign. Last evaluated: 2023-03-30. Review status: criteria provided, single submitter. Criteria: ACMG Guidelines, 2015. Collection method: clinical testing. Allele origin: germline.

Ambry Genetics
Classification: Likely benign for Nephrolithiasis/nephrocalcinosis. Last evaluated: 2019-12-15. Review status: criteria provided, single submitter. Criteria: Ambry Variant Classification Scheme 2023. Collection method: clinical testing. Allele origin: germline.

PreventionGenetics, part of Exact Sciences
Classification: Likely benign. Review status: criteria provided, single submitter. Criteria: ACMG Guidelines, 2015. Collection method: clinical testing. Allele origin: germline.

Literature cited by the submitters: PubMed 17320849 (cited by Women's Health and Genetics/Laboratory Corporation of America, LabCorp).

NM_000388.4(CASR):c.1491C>T (p.Ser497=)

Gene: CASR (calcium sensing receptor; plus strand). Cytogenetic location: 3q21.1.
Variant type: single nucleotide variant.
Coding change: c.1491C>T on transcript NM_000388.4 (MANE Select); coding-DNA position 1491, C replaced by T.
Protein change: p.Ser497=; no amino-acid change (serine 497 retained).
Molecular consequence: synonymous variant.
Genome position (GRCh38, 1-based): chr3:122,275,925, C>T. VCF-style: chr3-122275925-C-T. GRCh37 (hg19) VCF-style: chr3-121994772-C-T.
Other names: p.Ser497=; c.1491C>T, p.Ser497= (NM_001178065.2).
Identifiers: ClinVar variation 257604 (VCV000257604.17), dbSNP rs150337940, ClinGen allele CA2569667.